The following is an entry in ClinVar:

NM_000814.6(GABRB3):c.231A>T (p.Glu77Asp)

Gene: GABRB3 (gamma-aminobutyric acid type A receptor subunit beta3; minus strand). Cytogenetic location: 15q12.
Variant type: single nucleotide variant.
Coding change: c.231A>T on transcript NM_000814.6 (MANE Select); coding-DNA position 231, A replaced by T.
Protein change: p.Glu77Asp; replaces glutamic acid 77 with aspartic acid.
Molecular consequence: missense variant. On other transcripts: 5 prime UTR variant (1).
Genome position (GRCh38, 1-based): chr15:26,772,411, T>A on the plus strand (A>T on the coding strand, the complement: GABRB3 is on the minus strand). VCF-style: chr15-26772411-T-A. GRCh37 (hg19) VCF-style: chr15-27017558-T-A.
Other names: c.-121A>T (NM_001278631.2); c.231A>T, p.Glu77Asp (NM_021912.5); short protein forms E77D.
Identifiers: ClinVar variation 2922622 (VCV002922622.3), dbSNP rs151221282, ClinGen allele CA391465177.

ClinVar aggregate classification (germline): Uncertain significance (1 of 4 stars; one submission).

Conditions:
Epilepsy, childhood absence, susceptibility to, 1. Also called: Epilepsy, childhood absence 1. Identifiers: Orphanet 64280, MedGen C1838604, MONDO:0020759, OMIM 600131.
Epilepsy, childhood absence, susceptibility to, 5. Identifiers: Orphanet 64280, MedGen C2677087, MONDO:0012843, OMIM 612269.

Submission:

Labcorp Genetics (formerly Invitae), Labcorp
Classification: Uncertain significance for Epilepsy, childhood absence, susceptibility to, 5; Epilepsy, childhood absence, susceptibility to, 1. Last evaluated: 2024-01-29. Review status: criteria provided, single submitter. Criteria: Invitae Variant Classification Sherloc (09022015). Collection method: clinical testing. Allele origin: germline.
Comment: This sequence change replaces glutamic acid, which is acidic and polar, with aspartic acid, which is acidic and polar, at codon 77 of the GABRB3 protein (p.Glu77Asp). This variant is not present in population databases (gnomAD no frequency). This variant has not been reported in the literature in individuals affected with GABRB3-related conditions. Advanced modeling of protein sequence and biophysical properties (such as structural, functional, and spatial information, amino acid conservation, physicochemical variation, residue mobility, and thermodynamic stability) has been performed at Invitae for this missense variant, however the output from this modeling did not meet the statistical confidence thresholds required to predict the impact of this variant on GABRB3 protein function. This variant disrupts the p.Glu77 amino acid residue in GABRB3. Other variant(s) that disrupt this residue have been determined to be pathogenic (PMID: 29852413, 33585817, 35718920). This suggests that this residue is clinically significant, and that variants that disrupt this residue are likely to be disease-causing. In summary, the available evidence is currently insufficient to determine the role of this variant in disease. Therefore, it has been classified as a Variant of Uncertain Significance.

Literature cited by the submitters: PubMed 29852413; PubMed 33585817; PubMed 35718920.